The following is an entry in ClinVar:

ClinVar aggregate classification (germline): Uncertain significance (1 of 4 stars; one submission).

Submission:

CeGaT Center for Human Genetics Tuebingen
Classification: Uncertain significance. Last evaluated: 2023-10-01. Review status: criteria provided, single submitter. Criteria: CeGaT Center For Human Genetics Tuebingen Variant Classification Criteria Version 2. Collection method: clinical testing. Allele origin: germline. Affected: yes. Observed: 1 variant allele.
Comment: NIPBL: PM2

NM_133433.4(NIPBL):c.3780C>A (p.Asp1260Glu)

Gene: NIPBL (NIPBL cohesin loading factor; plus strand). Cytogenetic location: 5p13.2.
Variant type: single nucleotide variant.
Coding change: c.3780C>A on transcript NM_133433.4 (MANE Select); coding-DNA position 3780, C replaced by A.
Protein change: p.Asp1260Glu; replaces aspartic acid 1260 with glutamic acid.
Molecular consequence: missense variant.
Genome position (GRCh38, 1-based): chr5:37,003,272, C>A. VCF-style: chr5-37003272-C-A. GRCh37 (hg19) VCF-style: chr5-37003374-C-A.
Other names: c.3780C>A, p.Asp1260Glu (NM_015384.5); short protein forms D1260E.
Identifiers: ClinVar variation 2655422 (VCV002655422.24), dbSNP rs1445225565, ClinGen allele CA359521745.